The following is an entry in ClinVar:

NM_001378477.3(NYX):c.244T>C (p.Ser82Pro)

Gene: NYX (nyctalopin; plus strand). Cytogenetic location: Xp11.4.
Variant type: single nucleotide variant.
Coding change: c.244T>C on transcript NM_001378477.3 (MANE Select); coding-DNA position 244, T replaced by C.
Protein change: p.Ser82Pro; replaces serine 82 with proline.
Molecular consequence: missense variant.
Genome position (GRCh38, 1-based): chrX:41,473,712, T>C. VCF-style: chrX-41473712-T-C. GRCh37 (hg19) VCF-style: chrX-41332965-T-C.
Other names: c.244T>C, p.Ser82Pro (NM_022567.3); short protein forms S82P.
Identifiers: ClinVar variation 4724488 (VCV004724488.1).

ClinVar aggregate classification (germline): Uncertain significance (1 of 4 stars; one submission).

Submission:

Labcorp Genetics (formerly Invitae), Labcorp
Classification: Uncertain significance. Last evaluated: 2025-07-30. Review status: criteria provided, single submitter. Criteria: Invitae Variant Classification Sherloc (09022015). Collection method: clinical testing. Allele origin: germline.
Comment: This sequence change replaces serine, which is neutral and polar, with proline, which is neutral and non-polar, at codon 87 of the NYX protein (p.Ser87Pro). This variant is not present in population databases (gnomAD no frequency). This variant has not been reported in the literature in individuals affected with NYX-related conditions. An algorithm developed to predict the effect of missense changes on protein structure and function (PolyPhen-2) suggests that this variant is likely to be disruptive. In summary, the available evidence is currently insufficient to determine the role of this variant in disease. Therefore, it has been classified as a Variant of Uncertain Significance.